The following is an entry in ClinVar:

ClinVar aggregate classification (germline): Uncertain significance. Review status: criteria provided, multiple submitters, no conflicts (2 of 4 stars). 2 submissions from 2 submitters: Uncertain significance (2). Last evaluated 2023-08-11.

Allele frequency attached by ClinVar (database versions not stated): gnomAD exomes 0.00001.
gnomAD v4.1: 17 of 1,614,108 alleles (0.0011%); highest among the groups gnomAD compares: Non-Finnish European, 0.0014%; no homozygotes.

Submissions (2):

Labcorp Genetics (formerly Invitae), Labcorp
Classification: Uncertain significance. Last evaluated: 2023-08-11. Review status: criteria provided, single submitter. Criteria: Invitae Variant Classification Sherloc (09022015). Collection method: clinical testing. Allele origin: germline.
Comment: In summary, the available evidence is currently insufficient to determine the role of this variant in disease. Therefore, it has been classified as a Variant of Uncertain Significance. Advanced modeling of protein sequence and biophysical properties (such as structural, functional, and spatial information, amino acid conservation, physicochemical variation, residue mobility, and thermodynamic stability) performed at Invitae indicates that this missense variant is not expected to disrupt COL4A2 protein function. ClinVar contains an entry for this variant (Variation ID: 1802140). This variant has not been reported in the literature in individuals affected with COL4A2-related conditions. This variant is not present in population databases (gnomAD no frequency). This sequence change replaces proline, which is neutral and non-polar, with serine, which is neutral and polar, at codon 330 of the COL4A2 protein (p.Pro330Ser).

GeneDx
Classification: Uncertain significance. Last evaluated: 2022-06-02. Review status: criteria provided, single submitter. Criteria: GeneDx Variant Classification Process June 2021. Collection method: clinical testing. Allele origin: germline. Affected: yes.
Comment: Not observed at significant frequency in large population cohorts (gnomAD); In silico analysis supports that this missense variant does not alter protein structure/function; Occurs in the triple helical domain at the X position in the canonical Gly-X-Y repeat; although this variant may have an effect on normal protein folding and function, missense substitution at the X position is not a common mechanism of disease; Has not been previously published as pathogenic or benign to our knowledge

NM_001846.4(COL4A2):c.988C>T (p.Pro330Ser)

Gene: COL4A2 (collagen type IV alpha 2 chain; plus strand). Cytogenetic location: 13q34.
Variant type: single nucleotide variant.
Coding change: c.988C>T on transcript NM_001846.4 (MANE Select); coding-DNA position 988, C replaced by T.
Protein change: p.Pro330Ser; replaces proline 330 with serine.
Molecular consequence: missense variant.
Genome position (GRCh38, 1-based): chr13:110,445,859, C>T. VCF-style: chr13-110445859-C-T. GRCh37 (hg19) VCF-style: chr13-111098206-C-T.
Other names: short protein forms P330S.
Identifiers: ClinVar variation 1802140 (VCV001802140.4), dbSNP rs1256447856, ClinGen allele CA388733248.
Genomic context (GRCh38, chr13:110,445,859, plus strand): 5'-AAAAATTAAAAGCAAATATCTTTCTTGCAGGGAAGCCGAGGCCTGGATGGCTATCAAGGG[C>T]CTGATGGACCCCGGGGACCCAAGGTGAGCCCGTTTCTCATGTCTTTGCCACTTATGGTGT-3'
Protein context (NP_001837.2, residues 320-340): GSRGLDGYQG[Pro330Ser]DGPRGPKGEA